The following is an entry in ClinVar:

NM_001048174.2(MUTYH):c.1444A>T (p.Arg482Trp)

Gene: MUTYH (mutY DNA glycosylase; minus strand). Cytogenetic location: 1p34.1.
Variant type: single nucleotide variant.
Coding change: c.1444A>T on transcript NM_001048174.2 (MANE Select); coding-DNA position 1444, A replaced by T.
Protein change: p.Arg482Trp; replaces arginine 482 with tryptophan.
Molecular consequence: missense variant. On other transcripts: non-coding transcript variant (7).
Genome position (GRCh38, 1-based): chr1:45,329,428, T>A on the plus strand (A>T on the coding strand, the complement: MUTYH is on the minus strand). VCF-style: chr1-45329428-T-A. GRCh37 (hg19) VCF-style: chr1-45795100-T-A.
Other names: c.1444A>T, p.Arg482Trp (NM_001048171.2, NM_001048173.2, NM_001293195.2 and 6 more transcripts); c.1447A>T, p.Arg483Trp (NM_001048172.2, NM_001407071.1, NM_001407078.1 and 1 more transcripts); c.1528A>T, p.Arg510Trp (NM_001128425.2); c.1489A>T, p.Arg497Trp (NM_001293190.2); c.1477A>T, p.Arg493Trp (NM_001293191.2, NM_001407069.1, NM_001407077.1); c.1168A>T, p.Arg390Trp (NM_001293192.2, NM_001293196.2, NM_001407091.1); c.1099A>T, p.Arg367Trp (NM_001350650.2, NM_001350651.2, NM_001407082.1); c.1360A>T, p.Arg454Trp (NM_001407075.1); and 5 more; short protein forms R367W, R468W, R469W, R497W, R507W, R493W, R390W, R454W.
Identifiers: ClinVar variation 4113330 (VCV004113330.1).

ClinVar aggregate classification (germline): Uncertain significance (1 of 4 stars; one submission).

Conditions:
Hereditary cancer-predisposing syndrome. Also called: Tumor predisposition; Neoplastic Syndromes, Hereditary; Hereditary neoplastic syndrome; Hereditary Cancer Syndrome. Identifiers: Orphanet 140162, MedGen C0027672, MeSH D009386, MONDO:0015356.

Submission:

Ambry Genetics
Classification: Uncertain significance for Hereditary cancer-predisposing syndrome. Last evaluated: 2025-08-27. Review status: criteria provided, single submitter. Criteria: Ambry Variant Classification Scheme 2023. Collection method: clinical testing. Allele origin: germline.
Comment: The p.R510W variant (also known as c.1528A>T), located in coding exon 16 of the MUTYH gene, results from an A to T substitution at nucleotide position 1528. The arginine at codon 510 is replaced by tryptophan, an amino acid with dissimilar properties. This amino acid position is conserved. In addition, this alteration is predicted to be tolerated by in silico analysis. Based on the available evidence, the clinical significance of this variant remains unclear.